The following is an entry in ClinVar:

NM_015355.4(SUZ12):c.919C>T (p.Arg307Cys)

Gene: SUZ12 (SUZ12 polycomb repressive complex 2 subunit; plus strand). Cytogenetic location: 17q11.2.
Variant type: single nucleotide variant.
Coding change: c.919C>T on transcript NM_015355.4 (MANE Select); coding-DNA position 919, C replaced by T.
Protein change: p.Arg307Cys; replaces arginine 307 with cysteine.
Molecular consequence: missense variant.
Genome position (GRCh38, 1-based): chr17:31,983,000, C>T. VCF-style: chr17-31983000-C-T. GRCh37 (hg19) VCF-style: chr17-30310019-C-T.
Other names: c.850C>T, p.Arg284Cys (NM_001321207.2); short protein forms R284C, R307C.
Identifiers: ClinVar variation 1215336 (VCV001215336.6), dbSNP rs1289994963, ClinGen allele CA399027530.

ClinVar aggregate classification (germline): Uncertain significance (1 of 4 stars; one submission).

Allele frequency attached by ClinVar (database versions not stated): gnomAD 0.00001; gnomAD exomes 0.00001.

Submission:

GeneDx
Classification: Uncertain significance. Last evaluated: 2022-06-01. Review status: criteria provided, single submitter. Criteria: GeneDx Variant Classification Process June 2021. Collection method: clinical testing. Allele origin: germline. Affected: yes.
Comment: Has not been previously published as pathogenic or benign to our knowledge; Not observed at significant frequency in large population cohorts (gnomAD); In silico analysis supports that this missense variant has a deleterious effect on protein structure/function